The following is an entry in ClinVar:

NM_000275.3(OCA2):c.257G>C (p.Ser86Thr)

Gene: OCA2 (OCA2 melanosomal transmembrane protein; minus strand). Cytogenetic location: 15q13.1.
Variant type: single nucleotide variant.
Coding change: c.257G>C on transcript NM_000275.3 (MANE Select); coding-DNA position 257, G replaced by C.
Protein change: p.Ser86Thr; replaces serine 86 with threonine.
Molecular consequence: missense variant.
Genome position (GRCh38, 1-based): chr15:28,032,134, C>G on the plus strand (G>C on the coding strand, the complement: OCA2 is on the minus strand). VCF-style: chr15-28032134-C-G. GRCh37 (hg19) VCF-style: chr15-28277280-C-G.
Other names: c.257G>C (NM_000275.2); c.257G>C, p.Ser86Thr (NM_001300984.2); short protein forms S86T.
Identifiers: ClinVar variation 1383348 (VCV001383348.4), dbSNP rs1024467465, ClinGen allele CA267888812.

ClinVar aggregate classification (germline): Uncertain significance. Review status: criteria provided, multiple submitters, no conflicts (2 of 4 stars). 2 submissions from 2 submitters: Uncertain significance (2). Last evaluated 2025-06-22.

Conditions:
Inborn genetic diseases. Identifiers: MedGen C0950123, MeSH D030342.

Allele frequency attached by ClinVar (database versions not stated): gnomAD exomes 0.00001 and 0.00002; TOPMed 0.00001.
gnomAD v4.1: 8 of 1,613,948 alleles (0.0005%); highest among the groups gnomAD compares: Middle Eastern, 0.016%; no homozygotes.

Submissions (2):

Ambry Genetics
Classification: Uncertain significance for Inborn genetic diseases. Last evaluated: 2025-06-22. Review status: criteria provided, single submitter. Criteria: Ambry Variant Classification Scheme 2023. Collection method: clinical testing. Allele origin: germline.

Labcorp Genetics (formerly Invitae), Labcorp
Classification: Uncertain significance. Last evaluated: 2022-07-18. Review status: criteria provided, single submitter. Criteria: Invitae Variant Classification Sherloc (09022015). Collection method: clinical testing. Allele origin: germline.
Comment: This sequence change replaces serine, which is neutral and polar, with threonine, which is neutral and polar, at codon 86 of the OCA2 protein (p.Ser86Thr). This variant is present in population databases (no rsID available, gnomAD 0.02%). This variant has not been reported in the literature in individuals affected with OCA2-related conditions. ClinVar contains an entry for this variant (Variation ID: 1383348). Advanced modeling of protein sequence and biophysical properties (such as structural, functional, and spatial information, amino acid conservation, physicochemical variation, residue mobility, and thermodynamic stability) performed at Invitae indicates that this missense variant is not expected to disrupt OCA2 protein function. In summary, the available evidence is currently insufficient to determine the role of this variant in disease. Therefore, it has been classified as a Variant of Uncertain Significance.